The following is an entry in ClinVar:

ClinVar aggregate classification (germline): Uncertain significance (1 of 4 stars; one submission).

Conditions:
Neurodevelopmental disorder with speech impairment and with or without seizures. Also called: Neurodevelopmental disorder with variable intellectual disability and speech impairment, with or without seizures. Identifiers: MedGen C5774252, MONDO:0859313, OMIM 620114.

Submission:

Neuberg Centre For Genomic Medicine, NCGM
Classification: Uncertain significance for Neurodevelopmental disorder with speech impairment and with or without seizures. Review status: criteria provided, single submitter. Criteria: ACMG Guidelines, 2015. Collection method: clinical testing. Allele origin: germline. Inheritance: Autosomal dominant inheritance. Affected: yes.
Comment: The observed missense c.1322A>T (p.Tyr441Phe) variant in CACNA1I gene has not been reported previously as a pathogenic variant nor as a benign variant, to our knowledge. The p.Tyr441Phe variant is absent in gnomAD Exomes. This variant has not been submitted to the ClinVar database. Computational evidence (Polyphen - Probably Damaging, SIFT - Damaging and MutationTaster - Polymorphism) predicts conflicting evidence on protein structure and function for this variant. The reference amino acid of p.Tyr441Phe in CACNA1I is predicted as conserved by GERP++ and PhyloP across 100 vertebrates. The amino acid Tyr at position 441 is changed to a Phe changing protein sequence and it might alter its composition and physico-chemical properties. For these reasons, this variant has been classified as a Variant of Uncertain Significance (VUS).

NM_021096.4(CACNA1I):c.1322A>T (p.Tyr441Phe)

Gene: CACNA1I (calcium voltage-gated channel subunit alpha1 I; plus strand). Cytogenetic location: 22q13.1.
Variant type: single nucleotide variant.
Coding change: c.1322A>T on transcript NM_021096.4 (MANE Select); coding-DNA position 1322, A replaced by T.
Protein change: p.Tyr441Phe; replaces tyrosine 441 with phenylalanine.
Molecular consequence: missense variant.
Genome position (GRCh38, 1-based): chr22:39,646,741, A>T. VCF-style: chr22-39646741-A-T. GRCh37 (hg19) VCF-style: chr22-40042746-A-T.
Other names: c.1322A>T, p.Tyr441Phe (NM_001003406.2); short protein forms Y441F.
Identifiers: ClinVar variation 3362850 (VCV003362850.3).